The following is an entry in ClinVar:

NM_000069.3(CACNA1S):c.1295A>G (p.Lys432Arg)

Gene: CACNA1S (calcium voltage-gated channel subunit alpha1 S; minus strand). Cytogenetic location: 1q32.1.
Variant type: single nucleotide variant.
Coding change: c.1295A>G on transcript NM_000069.3 (MANE Select); coding-DNA position 1295, A replaced by G.
Protein change: p.Lys432Arg; replaces lysine 432 with arginine.
Molecular consequence: missense variant.
Genome position (GRCh38, 1-based): chr1:201,083,260, T>C on the plus strand (A>G on the coding strand, the complement: CACNA1S is on the minus strand). VCF-style: chr1-201083260-T-C. GRCh37 (hg19) VCF-style: chr1-201052388-T-C.
Other names: short protein forms K432R.
Identifiers: ClinVar variation 3071355 (VCV003071355.1), dbSNP rs1313284404, ClinGen allele CA344125809.

ClinVar aggregate classification (germline): Uncertain significance (1 of 4 stars; one submission).

Conditions:
Malignant hyperthermia, susceptibility to, 5 (MHS5). Also called: CACNA1S-Related Malignant Hyperthermia Susceptibility. Identifiers: Orphanet 423, MedGen C1866077, MONDO:0011163, OMIM 601887.

Allele frequency attached by ClinVar (database versions not stated): gnomAD exomes 0.00001.
gnomAD v4.1: 3 of 1,614,190 alleles (0.00019%); highest among the groups gnomAD compares: Admixed American, 0.005%; 1 homozygote.

Submission:

All of Us Research Program, National Institutes of Health
Classification: Uncertain significance for Malignant hyperthermia, susceptibility to, 5. Last evaluated: 2023-05-30. Review status: criteria provided, single submitter. Criteria: ACMG Guidelines, 2015. Collection method: clinical testing. Allele origin: germline. Inheritance: Autosomal dominant inheritance. Observed: 1 variant allele, 1 heterozygote.
Comment: This missense variant replaces lysine with arginine at codon 432 of the CACNA1S protein. Computational prediction suggests that this variant may not impact protein structure and function (internally defined REVEL score threshold <= 0.5, PMID: 27666373). To our knowledge, functional studies have not been reported for this variant. This variant has not been reported in individuals affected with CACNA1S-related disorders in the literature. This variant has been identified in 1/251486 chromosomes in the general population by the Genome Aggregation Database (gnomAD). The available evidence is insufficient to determine the role of this variant in disease conclusively. Therefore, this variant is classified as a Variant of Uncertain Significance.

This study involves interpretation of variants in research participants for the purpose of population health screening. Participant phenotype was not available at the time of variant classification. Additional details can be found in publication PMID: 35346344, PMCID: PMC8962531